The following is an entry in ClinVar:

ClinVar aggregate classification (germline): Likely pathogenic (1 of 4 stars; one submission).

Conditions:
Finnish congenital nephrotic syndrome (NPHS1). Also called: NEPHROTIC SYNDROME, TYPE 1. Identifiers: Orphanet 839, MedGen C0403399, MONDO:0009732, OMIM 256300.

gnomAD v4.1: 1 of 1,614,118 alleles (0.000062%); highest among the groups gnomAD compares: Non-Finnish European, 0.000085%; no homozygotes.

Submission:

Myriad Genetics, Inc.
Classification: Likely pathogenic for Finnish congenital nephrotic syndrome. Last evaluated: 2022-01-27. Review status: criteria provided, single submitter. Criteria: Myriad Women's Health Autosomal Recessive and X-Linked Classification Criteria (2021). Collection method: clinical testing. Allele origin: unknown.
Comment: NM_004646.3(NPHS1):c.3357G>A(W1119*) is expected to be pathogenic in the context of nephrotic syndrome, NPHS1-related. This variant is predicted to lead to an abnormal or absent protein product due to the creation of a premature termination codon in NPHS1, a gene where loss-of-function variants are known to be pathogenic. Please note: this variant was assessed in the context of healthy population screening.

NM_004646.4(NPHS1):c.3357G>A (p.Trp1119Ter)

Gene: NPHS1 (NPHS1 adhesion molecule, nephrin; minus strand). Cytogenetic location: 19q13.12.
Variant type: single nucleotide variant.
Coding change: c.3357G>A on transcript NM_004646.4 (MANE Select); coding-DNA position 3357, G replaced by A.
Protein change: p.Trp1119Ter; replaces tryptophan 1119 with a stop codon.
Molecular consequence: nonsense.
Genome position (GRCh38, 1-based): chr19:35,831,326, C>T on the plus strand (G>A on the coding strand, the complement: NPHS1 is on the minus strand). VCF-style: chr19-35831326-C-T. GRCh37 (hg19) VCF-style: chr19-36322228-C-T.
Other names: short protein forms W1119*.
Identifiers: ClinVar variation 1724148 (VCV001724148.2), dbSNP rs2513755521, ClinGen allele CA405416593.